The following is an entry in ClinVar:

ClinVar aggregate classification (germline): Uncertain significance (1 of 4 stars; one submission).

Submission:

Ambry Genetics
Classification: Uncertain significance. Last evaluated: 2026-06-24. Review status: criteria provided, single submitter. Criteria: Ambry Variant Classification Scheme 2023. Collection method: clinical testing. Allele origin: germline.
Comment: The p.I798M variant (also known as c.2394T>G), located in coding exon 11 of the WNK2 gene, results from a T to G substitution at nucleotide position 2394. The isoleucine at codon 798 is replaced by methionine, an amino acid with highly similar properties. This amino acid position is conserved. In addition, this alteration is predicted to be tolerated by in silico analysis. Based on the available evidence, the clinical significance of this variant remains unclear.

NM_006648.4(WNK2):c.2394T>G (p.Ile798Met)

Gene: WNK2 (WNK lysine deficient protein kinase 2; plus strand). Cytogenetic location: 9q22.31.
Variant type: single nucleotide variant.
Coding change: c.2394T>G on transcript NM_006648.4 (MANE Select); coding-DNA position 2394, T replaced by G.
Protein change: p.Ile798Met; replaces isoleucine 798 with methionine.
Molecular consequence: missense variant.
Genome position (GRCh38, 1-based): chr9:93,258,942, T>G. VCF-style: chr9-93258942-T-G. GRCh37 (hg19) VCF-style: chr9-96021224-T-G.
Other names: c.2394T>G, p.Ile798Met (NM_001282394.3); short protein forms I798M.
Identifiers: ClinVar variation 5031808 (VCV005031808.1).